The following is an entry in ClinVar:

NM_201384.3(PLEC):c.2492T>G (p.Val831Gly)

Gene: PLEC (plectin; minus strand). Cytogenetic location: 8q24.3.
Variant type: single nucleotide variant.
Coding change: c.2492T>G on transcript NM_201384.3 (MANE Select); coding-DNA position 2492, T replaced by G.
Protein change: p.Val831Gly; replaces valine 831 with glycine.
Molecular consequence: missense variant.
Genome position (GRCh38, 1-based): chr8:143,930,264, A>C on the plus strand (T>G on the coding strand, the complement: PLEC is on the minus strand). VCF-style: chr8-143930264-A-C. GRCh37 (hg19) VCF-style: chr8-145004432-A-C.
Other names: c.2573T>G, p.Val858Gly (NM_000445.5, NM_001410941.1); c.2450T>G, p.Val817Gly (NM_201378.4); c.2426T>G, p.Val809Gly (NM_201379.3); c.2903T>G, p.Val968Gly (NM_201380.4); c.2396T>G, p.Val799Gly (NM_201381.3); c.2492T>G, p.Val831Gly (NM_201382.4); c.2504T>G, p.Val835Gly (NM_201383.3); short protein forms V799G, V809G, V858G, V831G, V968G, V817G, V835G.
Identifiers: ClinVar variation 2940588 (VCV002940588.3), dbSNP rs2538580935, ClinGen allele CA372574149.
Genomic context (GRCh38, chr8:143,930,264, plus strand): 5'-ACGGCGGCCTCGCTGCCGGAGCTGCTGAGCACCTTCCAGTGGGACGGCTGTGCAGGGCCC[A>C]CCAGCTGGCACTCGTCACCCTTGTGCACAGTCACCTGGGACGGGCAGAGTCGGTGAGGAC-3'
Protein context (NP_958786.1, residues 821-841): TVHKGDECQL[Val831Gly]GPAQPSHWKV

ClinVar aggregate classification (germline): Uncertain significance (1 of 4 stars; one submission).

Conditions:
Epidermolysis bullosa simplex with nail dystrophy (EBS5D). Identifiers: MedGen C4225309, MONDO:0014661, OMIM 616487.
Epidermolysis bullosa simplex, Ogna type (EBS5A). Also called: Pidermolysis bullosa simplex 5A, Ogna type; EPIDERMOLYSIS BULLOSA SIMPLEX 5A, OGNA TYPE. Identifiers: Orphanet 79401, MedGen C0432317, MONDO:0007555, OMIM 131950.
Autosomal recessive limb-girdle muscular dystrophy type 2Q (LGMDR17). Also called: MUSCULAR DYSTROPHY, LIMB-GIRDLE, AUTOSOMAL RECESSIVE 17. Identifiers: Orphanet 254361, MedGen C3150989, MONDO:0013390, OMIM 613723.
Epidermolysis bullosa simplex 5B, with muscular dystrophy (EBS5B). Also called: EPIDERMOLYSIS BULLOSA SIMPLEX AND LIMB-GIRDLE MUSCULAR DYSTROPHY; Epidermolysis bullosa simplex with muscular dystrophy. Identifiers: Orphanet 257, MedGen C2931072, MONDO:0009181, OMIM 226670.
Epidermolysis bullosa simplex 5C, with pyloric atresia (EBS5C). Also called: PLEC-Related Epidermolysis Bullosa with Pyloric Atresia; Epidermolysis bullosa simplex with pyloric atresia; PLEC1-Related Epidermolysis Bullosa with Pyloric Atresia. Identifiers: Orphanet 158684, MedGen C2677349, MONDO:0012807, OMIM 612138.

Submission:

Labcorp Genetics (formerly Invitae), Labcorp
Classification: Uncertain significance for Autosomal recessive limb-girdle muscular dystrophy type 2Q; Epidermolysis bullosa simplex, Ogna type; Epidermolysis bullosa simplex with nail dystrophy; Epidermolysis bullosa simplex 5C, with pyloric atresia; Epidermolysis bullosa simplex 5B, with muscular dystrophy. Last evaluated: 2023-07-30. Review status: criteria provided, single submitter. Criteria: Invitae Variant Classification Sherloc (09022015). Collection method: clinical testing. Allele origin: germline.
Comment: This sequence change replaces valine, which is neutral and non-polar, with glycine, which is neutral and non-polar, at codon 858 of the PLEC protein (p.Val858Gly). This variant is not present in population databases (gnomAD no frequency). This variant has not been reported in the literature in individuals affected with PLEC-related conditions. Advanced modeling of protein sequence and biophysical properties (such as structural, functional, and spatial information, amino acid conservation, physicochemical variation, residue mobility, and thermodynamic stability) performed at Invitae indicates that this missense variant is not expected to disrupt PLEC protein function. In summary, the available evidence is currently insufficient to determine the role of this variant in disease. Therefore, it has been classified as a Variant of Uncertain Significance.